The following is an entry in ClinVar:

ClinVar aggregate classification (germline): Uncertain significance (1 of 4 stars; one submission).

Conditions:
Catecholaminergic polymorphic ventricular tachycardia 1. Also called: VENTRICULAR TACHYCARDIA, STRESS-INDUCED POLYMORPHIC 1; RYR2-Related Catecholaminergic Polymorphic Ventricular Tachycardia; VENTRICULAR TACHYCARDIA, CATECHOLAMINERGIC POLYMORPHIC, 1, WITH OR WITHOUT ATRIAL DYSFUNCTION AND/OR DILATED CARDIOMYOPATHY. Identifiers: Orphanet 3286, MedGen C1631597, MONDO:0011484, OMIM 604772.

gnomAD v4.1: 1 of 1,544,796 alleles (0.000065%); highest among the groups gnomAD compares: Non-Finnish European, 0.000088%; no homozygotes.

Submission:

Labcorp Genetics (formerly Invitae), Labcorp
Classification: Uncertain significance for Catecholaminergic polymorphic ventricular tachycardia 1. Last evaluated: 2025-10-11. Review status: criteria provided, single submitter. Criteria: Invitae Variant Classification Sherloc (09022015). Collection method: clinical testing. Allele origin: germline.
Comment: This sequence change falls in intron 101 of the RYR2 gene. It does not directly change the encoded amino acid sequence of the RYR2 protein. It affects a nucleotide within the consensus splice site. This variant is not present in population databases (gnomAD no frequency). This variant has not been reported in the literature in individuals affected with RYR2-related conditions. Variants that disrupt the consensus splice site are a relatively common cause of aberrant splicing (PMID: 17576681, 9536098). Algorithms developed to predict the effect of sequence changes on RNA splicing suggest that this variant is not likely to affect RNA splicing. In summary, the available evidence is currently insufficient to determine the role of this variant in disease. Therefore, it has been classified as a Variant of Uncertain Significance.

Literature cited by the submitters: PubMed 17576681; PubMed 9536098.

NM_001035.3(RYR2):c.14591-3C>T

Gene: RYR2 (ryanodine receptor 2; plus strand). Cytogenetic location: 1q43.
Variant type: single nucleotide variant.
Coding change: c.14591-3C>T on transcript NM_001035.3 (MANE Select); 3 bases into the intron before coding-DNA position 14591, C replaced by T.
Molecular consequence: intron variant.
Genome position (GRCh38, 1-based): chr1:237,828,378, C>T. VCF-style: chr1-237828378-C-T. GRCh37 (hg19) VCF-style: chr1-237991678-C-T.
Identifiers: ClinVar variation 4776506 (VCV004776506.1).